The following is an entry in ClinVar:

NM_001164508.2(NEB):c.22990_22991insGGT (p.Lys7664delinsArgTer)

Genes: NEB (nebulin; minus strand), RIF1 (replication timing regulatory factor 1; plus strand). Cytogenetic location: 2q23.3.
Variant type: Insertion.
Coding change: c.22990_22991insGGT on transcript NM_001164508.2 (MANE Select); coding-DNA positions 22990 to 22991, GGT inserted.
Protein change: p.Lys7664delinsArgTer.
Molecular consequence: nonsense.
Genome position: GRCh38 VCF-style: chr2-151514843-T-TACC. GRCh37 (hg19) VCF-style: chr2-152371357-T-TACC.
Other names: c.22990_22991insGGT, p.Lys7664delinsArgTer (NM_001164507.2); c.23095_23096insGGT, p.Lys7699delinsArgTer (NM_001271208.2); c.17887_17888insGGT, p.Lys5963delinsArgTer (NM_004543.5).
Identifiers: ClinVar variation 4814757 (VCV004814757.1).

ClinVar aggregate classification (germline): Likely pathogenic (1 of 4 stars; one submission).

Conditions:
Nemaline myopathy 2 (NEM2). Also called: Nemaline myopathy 2, autosomal recessive. Identifiers: MedGen C1850569, MONDO:0009725, OMIM 256030.

Submission:

Natera, Inc.
Classification: Likely pathogenic for Nemaline myopathy type 2. Last evaluated: 2025-12-01. Review status: criteria provided, single submitter. Criteria: Natera Variant Classification Schema (03/2026). Collection method: clinical testing. Allele origin: germline.
Comment: The c.23095_23096insGGT variant in NEB is an in-frame insertion. This variant is expected to result in nonsense mediated decay, truncation, or a dysfunctional protein product. This variant is rare in the general population with a frequency below the threshold expected for the associated phenotype(s). Given the available evidence, this variant is classified as Likely Pathogenic.